The following is an entry in ClinVar:

ClinVar aggregate classification (germline): Uncertain significance (1 of 4 stars; one submission).

gnomAD v4.1: 1 of 1,612,602 alleles (0.000062%); highest among the groups gnomAD compares: Non-Finnish European, 0.000085%; no homozygotes.

Submission:

GeneDx
Classification: Uncertain significance. Last evaluated: 2017-10-10. Review status: criteria provided, single submitter. Criteria: GeneDx Variant Classification (06012015). Collection method: clinical testing. Allele origin: germline. Affected: yes.
Comment: The A373G variant of uncertain significance in the MYH7 gene has not been published as pathogenic or been reported as benign to our knowledge. A373G is not observed in large population cohorts (Lek et al., 2016). This substitution occurs at a position that is conserved across species, and in silico analysis predicts this variant is probably damaging to the protein structure/function. However, the A373G variant is a conservative amino acid substitution, which is not likely to impact secondary protein structure as these residues share similar properties. And although missense variants in nearby residues (R369Q, E374V, G377R, G377S) have been reported in the Human Gene Mutation Database in association with cardiomyopathy (Stenson et al., 2014), the pathogenicity of each of these variants has not been definitively determined.

NM_000257.4(MYH7):c.1118C>G (p.Ala373Gly)

Gene: MYH7 (myosin heavy chain 7; minus strand). Cytogenetic location: 14q11.2.
Variant type: single nucleotide variant.
Coding change: c.1118C>G on transcript NM_000257.4 (MANE Select); coding-DNA position 1118, C replaced by G.
Protein change: p.Ala373Gly; replaces alanine 373 with glycine.
Molecular consequence: missense variant.
Genome position (GRCh38, 1-based): chr14:23,429,795, G>C on the plus strand (C>G on the coding strand, the complement: MYH7 is on the minus strand). VCF-style: chr14-23429795-G-C. GRCh37 (hg19) VCF-style: chr14-23899004-G-C.
Other names: c.1118C>G (LRG_384t1); short protein forms A373G.
Identifiers: ClinVar variation 449069 (VCV000449069.2), dbSNP rs730880924, ClinGen allele CA389051314.